The following is an entry in ClinVar:

NM_001042492.3(NF1):c.5786A>C (p.Glu1929Ala)

Gene: NF1 (neurofibromin 1; plus strand). Cytogenetic location: 17q11.2.
Variant type: single nucleotide variant.
Coding change: c.5786A>C on transcript NM_001042492.3 (MANE Select); coding-DNA position 5786, A replaced by C.
Protein change: p.Glu1929Ala; replaces glutamic acid 1929 with alanine.
Molecular consequence: missense variant.
Genome position (GRCh38, 1-based): chr17:31,330,472, A>C. VCF-style: chr17-31330472-A-C. GRCh37 (hg19) VCF-style: chr17-29657490-A-C.
Other names: c.5723A>C, p.Glu1908Ala (NM_000267.4); short protein forms E1929A, E1908A.
Identifiers: ClinVar variation 2916137 (VCV002916137.3), dbSNP rs2069454156, ClinGen allele CA399010471.

ClinVar aggregate classification (germline): Uncertain significance (1 of 4 stars; one submission).

Conditions:
Neurofibromatosis, type 1 (NF1). Also called: Neurofibromatosis, type I; NEUROFIBROMATOSIS, TYPE I, SOMATIC; Peripheral type neurofibromatosis; VON RECKLINGHAUSEN DISEASE. Identifiers: Orphanet 636, MedGen C0027831, MONDO:0018975, OMIM 162200. Disease mechanism: loss of function.

Submission:

Labcorp Genetics (formerly Invitae), Labcorp
Classification: Uncertain significance for Neurofibromatosis, type 1. Last evaluated: 2023-11-17. Review status: criteria provided, single submitter. Criteria: Invitae Variant Classification Sherloc (09022015). Collection method: clinical testing. Allele origin: germline.
Comment: This sequence change replaces glutamic acid, which is acidic and polar, with alanine, which is neutral and non-polar, at codon 1908 of the NF1 protein (p.Glu1908Ala). This variant is not present in population databases (gnomAD no frequency). This variant has not been reported in the literature in individuals affected with NF1-related conditions. Advanced modeling of protein sequence and biophysical properties (such as structural, functional, and spatial information, amino acid conservation, physicochemical variation, residue mobility, and thermodynamic stability) performed at Invitae indicates that this missense variant is expected to disrupt NF1 protein function with a positive predictive value of 95%. In summary, the available evidence is currently insufficient to determine the role of this variant in disease. Therefore, it has been classified as a Variant of Uncertain Significance.